The following is an entry in ClinVar:

NM_001395426.1(PDE4DIP):c.6162G>C (p.Leu2054=)

Gene: PDE4DIP (phosphodiesterase 4D interacting protein; plus strand). Cytogenetic location: 1q21.2.
Variant type: single nucleotide variant.
Coding change: c.6162G>C on transcript NM_001395426.1 (MANE Select); coding-DNA position 6162, G replaced by C.
Protein change: p.Leu2054=; no amino-acid change (leucine 2054 retained).
Molecular consequence: synonymous variant.
Genome position (GRCh38, 1-based): chr1:149,021,032, G>C. VCF-style: chr1-149021032-G-C. GRCh37 (hg19) VCF-style: chr1-144863439-C-G.
Other names: c.5832G>C, p.Leu1944= (NM_001395306.1, NM_001377393.2); c.6042G>C, p.Leu2014= (NM_001395307.1, NM_001395303.1); c.5973G>C, p.Leu1991= (NM_001395308.1); c.5781G>C, p.Leu1927= (NM_001395309.1); c.5976G>C, p.Leu1992= (NM_001395310.1, NM_001395304.1, NM_001395305.1); c.5646G>C, p.Leu1882= (NM_001395311.1, NM_001198832.4); c.5643G>C, p.Leu1881= (NM_001395312.1, NM_001395314.1, NM_001350523.3); c.5865G>C, p.Leu1955= (NM_001395313.1); and 7 more.
Identifiers: ClinVar variation 2639068 (VCV002639068.24), dbSNP rs141508658, ClinGen allele CA1045045.

ClinVar aggregate classification (germline): Likely benign (1 of 4 stars; one submission).

Allele frequency attached by ClinVar (database versions not stated): ESP Exome Variant Server 0.00008; TOPMed 0.00032; gnomAD 0.00052.
gnomAD v4.1: 544 of 1,073,588 alleles (0.051%); highest among the groups gnomAD compares: Non-Finnish European, 0.063%; 2 homozygotes.

Submission:

CeGaT Center for Human Genetics Tuebingen
Classification: Likely benign. Last evaluated: 2022-11-01. Review status: criteria provided, single submitter. Criteria: CeGaT Center For Human Genetics Tuebingen Variant Classification Criteria Version 2. Collection method: clinical testing. Allele origin: germline. Affected: yes. Observed: 1 variant allele.
Comment: PDE4DIP: BP4, BP7